The following is an entry in ClinVar:

ClinVar aggregate classification (germline): Uncertain significance (1 of 4 stars; one submission).

gnomAD v4.1: 19 of 1,614,166 alleles (0.0012%); highest among the groups gnomAD compares: Admixed American, 0.0017%; no homozygotes.

Submission:

Labcorp Genetics (formerly Invitae), Labcorp
Classification: Uncertain significance. Last evaluated: 2026-01-19. Review status: criteria provided, single submitter. Criteria: Invitae Variant Classification Sherloc (09022015). Collection method: clinical testing. Allele origin: germline.
Comment: This sequence change replaces glutamic acid, which is acidic and polar, with aspartic acid, which is acidic and polar, at codon 178 of the TRMT5 protein (p.Glu178Asp). This variant is not present in population databases (gnomAD no frequency). This variant has not been reported in the literature in individuals affected with TRMT5-related conditions. ClinVar contains an entry for this variant (Variation ID: 1905233). Invitae Evidence Modeling of protein sequence and biophysical properties (such as structural, functional, and spatial information, amino acid conservation, physicochemical variation, residue mobility, and thermodynamic stability) indicates that this missense variant is not expected to disrupt TRMT5 protein function with a negative predictive value of 80%. In summary, the available evidence is currently insufficient to determine the role of this variant in disease. Therefore, it has been classified as a Variant of Uncertain Significance.

NM_020810.3(TRMT5):c.534A>T (p.Glu178Asp)

Gene: TRMT5 (tRNA methyltransferase 5; minus strand). Cytogenetic location: 14q23.1.
Variant type: single nucleotide variant.
Coding change: c.534A>T on transcript NM_020810.3 (MANE Select); coding-DNA position 534, A replaced by T.
Protein change: p.Glu178Asp; replaces glutamic acid 178 with aspartic acid.
Molecular consequence: missense variant.
Genome position (GRCh38, 1-based): chr14:60,979,364, T>A on the plus strand (A>T on the coding strand, the complement: TRMT5 is on the minus strand). VCF-style: chr14-60979364-T-A. GRCh37 (hg19) VCF-style: chr14-61446082-T-A.
Other names: c.618A>T, p.Glu206Asp (NM_001350253.1); c.615A>T, p.Glu205Asp (NM_001350254.1); short protein forms E178D, E205D, E206D.
Identifiers: ClinVar variation 1905233 (VCV001905233.5), dbSNP rs2502992517, ClinGen allele CA389920699.